The following is an entry in ClinVar:

ClinVar aggregate classification (germline): Uncertain significance (1 of 4 stars; one submission).

Submission:

GeneDx
Classification: Uncertain significance. Last evaluated: 2025-07-03. Review status: criteria provided, single submitter. Criteria: GeneDx Variant Classification Process June 2021. Collection method: clinical testing. Allele origin: germline. Affected: yes.
Comment: Has not been previously published as pathogenic or benign to our knowledge; Not observed at significant frequency in large population cohorts (gnomAD); In silico analysis suggests that this missense variant does not alter protein structure/function

NM_001080517.3(SETD5):c.1924G>A (p.Glu642Lys)

Gene: SETD5 (SET domain containing 5; plus strand). Cytogenetic location: 3p25.3.
Variant type: single nucleotide variant.
Coding change: c.1924G>A on transcript NM_001080517.3 (MANE Select); coding-DNA position 1924, G replaced by A.
Protein change: p.Glu642Lys; replaces glutamic acid 642 with lysine.
Molecular consequence: missense variant.
Genome position (GRCh38, 1-based): chr3:9,447,827, G>A. VCF-style: chr3-9447827-G-A. GRCh37 (hg19) VCF-style: chr3-9489511-G-A.
Other names: c.1630G>A, p.Glu544Lys (NM_001292043.2, NM_001349451.2); c.2020G>A, p.Glu674Lys (NM_001437633.1); c.1981G>A, p.Glu661Lys (NM_001437635.1); c.1924G>A, p.Glu642Lys (NM_001437643.1); c.1963G>A, p.Glu655Lys (NM_001437701.1); short protein forms E544K, E642K, E655K, E661K, E674K.
Identifiers: ClinVar variation 4681081 (VCV004681081.1).